The following is an entry in ClinVar:

ClinVar aggregate classification (germline): Pathogenic (1 of 4 stars; one submission).

Submission:

Labcorp Genetics (formerly Invitae), Labcorp
Classification: Pathogenic. Last evaluated: 2022-11-11. Review status: criteria provided, single submitter. Criteria: Invitae Variant Classification Sherloc (09022015). Collection method: clinical testing. Allele origin: germline.
Comment: For these reasons, this variant has been classified as Pathogenic. This variant has not been reported in the literature in individuals affected with CHRNA7-related conditions. This variant is a gross deletion of the genomic region encompassing exon(s) 1-4 of the CHRNA7 gene, which includes the initiator codon. This deletion extends beyond the assayed region for this gene and therefore may encompass additional genes. It is expected to result in an absent or disrupted protein product. Loss-of-function variants in CHRNA7 are known to be pathogenic (PMID: 22031302, 22775350, 26275793, 28503599).

Literature cited by the submitters: PubMed 22031302; PubMed 22775350; PubMed 26275793; PubMed 28503599.

NC_000015.9:g.(?_32322798)_(32404100_?)del

Gene: CHRNA7 (cholinergic receptor nicotinic alpha 7 subunit). Cytogenetic location: 15q13.3.
Variant type: Deletion.
Identifiers: ClinVar variation 2423387 (VCV002423387.4).